The following is an entry in ClinVar:

NM_052947.4(ALPK2):c.3892C>T (p.His1298Tyr)

Genes: ALPK2 (alpha kinase 2; minus strand), LOC126862764 (BRD4-independent group 4 enhancer GRCh37_chr18:56202574-56203773; plus strand). Cytogenetic location: 18q21.31.
Variant type: single nucleotide variant.
Coding change: c.3892C>T on transcript NM_052947.4 (MANE Select); coding-DNA position 3892, C replaced by T.
Protein change: p.His1298Tyr; replaces histidine 1298 with tyrosine.
Molecular consequence: missense variant.
Genome position (GRCh38, 1-based): chr18:58,536,295, G>A on the plus strand (C>T on the coding strand, the complement: ALPK2 is on the minus strand). VCF-style: chr18-58536295-G-A. GRCh37 (hg19) VCF-style: chr18-56203527-G-A.
Other names: short protein forms H1298Y.
Identifiers: ClinVar variation 2560596 (VCV002560596.2), dbSNP rs2051647083, ClinGen allele CA402565280.

ClinVar aggregate classification (germline): Uncertain significance (1 of 4 stars; one submission).

Allele frequency attached by ClinVar (database versions not stated): gnomAD exomes below 0.00001; gnomAD 0.00001; TOPMed 0.00001.
gnomAD v4.1: 2 of 1,614,088 alleles (0.00012%); highest among the groups gnomAD compares: Non-Finnish European, 0.00017%; no homozygotes.

Submission:

Ambry Genetics
Classification: Uncertain significance. Last evaluated: 2023-03-17. Review status: criteria provided, single submitter. Criteria: Ambry Variant Classification Scheme 2023. Collection method: clinical testing. Allele origin: germline.
Comment: The p.H1298Y variant (also known as c.3892C>T), located in coding exon 4 of the ALPK2 gene, results from a C to T substitution at nucleotide position 3892. The histidine at codon 1298 is replaced by tyrosine, an amino acid with similar properties. This amino acid position is conserved. In addition, this alteration is predicted to be tolerated by in silico analysis. Since supporting evidence is limited at this time, the clinical significance of this alteration remains unclear.